The following is an entry in ClinVar:

NM_177438.3(DICER1):c.2440C>T (p.Pro814Ser)

Gene: DICER1 (dicer 1, ribonuclease III; minus strand). Cytogenetic location: 14q32.13.
Variant type: single nucleotide variant.
Coding change: c.2440C>T on transcript NM_177438.3 (MANE Select); coding-DNA position 2440, C replaced by T.
Protein change: p.Pro814Ser; replaces proline 814 with serine.
Molecular consequence: missense variant.
Genome position (GRCh38, 1-based): chr14:95,108,090, G>A on the plus strand (C>T on the coding strand, the complement: DICER1 is on the minus strand). VCF-style: chr14-95108090-G-A. GRCh37 (hg19) VCF-style: chr14-95574427-G-A.
Other names: c.2440C>T (NM_177438.2); c.2440C>T, p.Pro814Ser (NM_001195573.1, NM_001271282.3, NM_001291628.2 and 1 more transcripts); short protein forms P814S.
Identifiers: ClinVar variation 1433640 (VCV001433640.10), dbSNP rs1891615604, ClinGen allele CA390882025.

ClinVar aggregate classification (germline): Uncertain significance. Review status: criteria provided, multiple submitters, no conflicts (2 of 4 stars). 2 submissions from 2 submitters: Uncertain significance (2). Last evaluated 2025-11-24.

Conditions:
DICER1-related tumor predisposition. Also called: DICER1-related pleuropulmonary blastoma cancer predisposition syndrome; DICER1 syndrome. Identifiers: Orphanet 284343, MedGen C3839822, MONDO:0100216.
Hereditary cancer-predisposing syndrome. Also called: Neoplastic Syndromes, Hereditary; Hereditary Cancer Syndrome; Tumor predisposition; Hereditary neoplastic syndrome. Identifiers: Orphanet 140162, MedGen C0027672, MeSH D009386, MONDO:0015356.

Allele frequency attached by ClinVar (database versions not stated): TOPMed below 0.00001.

Submissions (2):

Ambry Genetics
Classification: Uncertain significance for Hereditary cancer-predisposing syndrome. Last evaluated: 2025-11-24. Review status: criteria provided, single submitter. Criteria: Ambry Variant Classification Scheme 2023. Collection method: clinical testing. Allele origin: germline.
Comment: The p.P814S variant (also known as c.2440C>T), located in coding exon 15 of the DICER1 gene, results from a C to T substitution at nucleotide position 2440. The proline at codon 814 is replaced by serine, an amino acid with similar properties. This amino acid position is conserved. In addition, the in silico prediction for this alteration is inconclusive. Based on the available evidence, the clinical significance of this variant remains unclear.

Labcorp Genetics (formerly Invitae), Labcorp
Classification: Uncertain significance for DICER1-related tumor predisposition. Last evaluated: 2024-03-19. Review status: criteria provided, single submitter. Criteria: Invitae Variant Classification Sherloc (09022015). Collection method: clinical testing. Allele origin: germline.
Comment: This sequence change replaces proline, which is neutral and non-polar, with serine, which is neutral and polar, at codon 814 of the DICER1 protein (p.Pro814Ser). This variant is not present in population databases (gnomAD no frequency). This variant has not been reported in the literature in individuals affected with DICER1-related conditions. ClinVar contains an entry for this variant (Variation ID: 1433640). Advanced modeling of protein sequence and biophysical properties (such as structural, functional, and spatial information, amino acid conservation, physicochemical variation, residue mobility, and thermodynamic stability) performed at Invitae indicates that this missense variant is not expected to disrupt DICER1 protein function with a negative predictive value of 80%. In summary, the available evidence is currently insufficient to determine the role of this variant in disease. Therefore, it has been classified as a Variant of Uncertain Significance.